The following is an entry in ClinVar:

NM_000152.5(GAA):c.858+2T>A

Gene: GAA (alpha glucosidase; plus strand). Cytogenetic location: 17q25.3.
Variant type: single nucleotide variant.
Coding change: c.858+2T>A on transcript NM_000152.5 (MANE Select); the canonical splice donor site of the intron after coding-DNA position 858, T replaced by A.
Molecular consequence: splice donor variant.
Genome position (GRCh38, 1-based): chr17:80,107,724, T>A. VCF-style: chr17-80107724-T-A. GRCh37 (hg19) VCF-style: chr17-78081523-T-A.
Other names: c.858+2T>A (NM_001406741.1, NM_001406742.1, NM_001079803.3 and 1 more transcripts).
Identifiers: ClinVar variation 495669 (VCV000495669.2), dbSNP rs1555599713, ClinGen allele CA401363732.

ClinVar aggregate classification (germline): Pathogenic/Likely pathogenic. Review status: criteria provided, multiple submitters, no conflicts (2 of 4 stars). 2 submissions from 2 submitters: Pathogenic (1); Likely pathogenic (1). Last evaluated 2026-07-01.

Conditions:
Glycogen storage disease, type II (IOPD). Also called: POMPE DISEASE, INFANTILE-ONSET; GLYCOGEN STORAGE DISEASE II, INFANTILE-ONSET; ACID ALPHA-GLUCOSIDASE DEFICIENCY, INFANTILE-ONSET; GAA DEFICIENCY, INFANTILE-ONSET; ACID MALTASE DEFICIENCY, INFANTILE-ONSET; CARDIOMEGALIA GLYCOGENICA DIFFUSA. Identifiers: Orphanet 365, MedGen C0017921, MONDO:0009290, OMIM 232300.

Submissions (2):

Genomenon, Inc
Classification: Pathogenic for Glycogen storage disease, type II. Last evaluated: 2026-07-01. Review status: criteria provided, single submitter. Criteria: Genomenon Sequence Variant Interpretation Standards - Updated. Collection method: curation. Allele origin: germline. Affected: yes.
Comment: GAA c.858+2T>A is a canonical splice variant affecting the donor splice site of intron 4. It is predicted to affect mRNA splicing, leading to a deleterious effect on the GAA protein. This variant has been observed in at least one proband with a GAA-related disorder (PMID:22252923). It is absent or not present at a significant frequency in gnomAD. In conclusion, we classify GAA c.858+2T>A as a pathogenic variant.

Women's Health and Genetics/Laboratory Corporation of America, LabCorp
Classification: Likely pathogenic for Glycogen storage disease, type II. Last evaluated: 2016-08-15. Review status: criteria provided, single submitter. Criteria: LabCorp Variant Classification Summary - May 2015. Collection method: clinical testing. Allele origin: germline.
Comment: Variant summary: The GAA c.858+2T>A variant involves the alteration of a conserved intronic nucleotide. One in silico tool predicts a damaging outcome for this variant, and 3/5 splicing algorithms predict elimination of the canonical splice donor site. However, these predictions have not been verified with in vitro/vivo functional studies. This variant was absent in 89090 control chromosomes, but was identified in two Middle Eastern alleles from a cohort of CRIM-negative infantile Pompe disease patients (Bali et al 2012). Taken together, this variant is classified as likely pathogenic.

Literature cited by the submitters: PubMed 22252923 (cited by Genomenon, Inc and Women's Health and Genetics/Laboratory Corporation of America, LabCorp).